The following is an entry in ClinVar:

ClinVar aggregate classification (germline): Uncertain significance. Review status: criteria provided, multiple submitters, no conflicts (2 of 4 stars). 2 submissions from 2 submitters: Uncertain significance (2). Last evaluated 2025-01-01.

Conditions:
Multiple endocrine neoplasia, type 1 (MEN1). Also called: MEN I; WERMER SYNDROME; MEA I; Endocrine adenomatosis multiple; MEN 1. Identifiers: Orphanet 652, MedGen C0025267, MeSH D018761, MONDO:0007540, OMIM 131100.

Submissions (2):

Labcorp Genetics (formerly Invitae), Labcorp
Classification: Uncertain significance for Multiple endocrine neoplasia, type 1. Last evaluated: 2025-01-01. Review status: criteria provided, single submitter. Criteria: Invitae Variant Classification Sherloc (09022015). Collection method: clinical testing. Allele origin: germline.
Comment: This sequence change replaces aspartic acid, which is acidic and polar, with glycine, which is neutral and non-polar, at codon 269 of the MEN1 protein (p.Asp269Gly). This variant is not present in population databases (gnomAD no frequency). This variant has not been reported in the literature in individuals affected with MEN1-related conditions. ClinVar contains an entry for this variant (Variation ID: 864582). Invitae Evidence Modeling of protein sequence and biophysical properties (such as structural, functional, and spatial information, amino acid conservation, physicochemical variation, residue mobility, and thermodynamic stability) indicates that this missense variant is expected to disrupt MEN1 protein function with a positive predictive value of 95%. In summary, the available evidence is currently insufficient to determine the role of this variant in disease. Therefore, it has been classified as a Variant of Uncertain Significance.

All of Us Research Program, National Institutes of Health
Classification: Uncertain significance for Multiple endocrine neoplasia, type 1. Last evaluated: 2023-04-03. Review status: criteria provided, single submitter. Criteria: ACMG Guidelines, 2015. Collection method: clinical testing. Allele origin: germline. Inheritance: Autosomal dominant inheritance. Observed: 1 variant allele, 1 heterozygote.
Comment: This missense variant replaces aspartic acid with glycine at codon 269 of the MEN1 protein. Computational prediction suggests that this variant may have deleterious impact on protein structure and function (internally defined REVEL score threshold >= 0.7, PMID: 27666373). To our knowledge, functional studies have not been reported for this variant. This variant has not been reported in individuals affected with MEN1-related disorders in the literature. This variant has not been identified in the general population by the Genome Aggregation Database (gnomAD). The available evidence is insufficient to determine the role of this variant in disease conclusively. Therefore, this variant is classified as a Variant of Uncertain Significance.

This study involves interpretation of variants in research participants for the purpose of population health screening. Participant phenotype was not available at the time of variant classification. Additional details can be found in publication PMID: 35346344, PMCID: PMC8962531

NM_001370259.2(MEN1):c.806A>G (p.Asp269Gly)

Gene: MEN1 (menin 1; minus strand). Cytogenetic location: 11q13.1.
Variant type: single nucleotide variant.
Coding change: c.806A>G on transcript NM_001370259.2 (MANE Select); coding-DNA position 806, A replaced by G.
Protein change: p.Asp269Gly; replaces aspartic acid 269 with glycine.
Molecular consequence: missense variant.
Genome position (GRCh38, 1-based): chr11:64,807,197, T>C on the plus strand (A>G on the coding strand, the complement: MEN1 is on the minus strand). VCF-style: chr11-64807197-T-C. GRCh37 (hg19) VCF-style: chr11-64574669-T-C.
Other names: c.821A>G, p.Asp274Gly (NM_000244.4, NM_130800.3, NM_130801.3 and 3 more transcripts); c.806A>G, p.Asp269Gly (NM_001370251.2, NM_001370260.2, NM_001370261.2 and 1 more transcripts); c.701A>G, p.Asp234Gly (NM_001370262.2, NM_001370263.2); short protein forms D269G, D234G, D274G.
Identifiers: ClinVar variation 864582 (VCV000864582.10), dbSNP rs1941793463, ClinGen allele CA381183927.